The following is an entry in ClinVar:

ClinVar aggregate classification (germline): Uncertain significance. Review status: criteria provided, multiple submitters, no conflicts (2 of 4 stars). 5 submissions from 5 submitters: Uncertain significance (5). Last evaluated 2025-07-07.

Conditions:
Chuvash polycythemia. Also called: POLYCYTHEMIA, VHL-DEPENDENT. Identifiers: Orphanet 238557, MedGen C1837915, MONDO:0009892, OMIM 263400.
Von Hippel-Lindau syndrome (VHLS). Also called: von Hippel–Lindau syndrome; VHL syndrome; Von Hippel-Lindau. Identifiers: Orphanet 892, MedGen C0019562, MONDO:0008667, OMIM 193300. Disease mechanism: loss of function.
Pheochromocytoma. Also called: MAX-Related Hereditary Paraganglioma-Pheochromocytoma Syndrome. Identifiers: Orphanet 29072, MedGen C0031511, MONDO:0008233, OMIM 171300, HP:0002666.
Nonpapillary renal cell carcinoma. Identifiers: Orphanet 422526, MedGen CN074294, MONDO:0007763, OMIM 144700.
Hereditary cancer-predisposing syndrome. Also called: Neoplastic Syndromes, Hereditary; Hereditary neoplastic syndrome; Hereditary Cancer Syndrome; Tumor predisposition. Identifiers: Orphanet 140162, MedGen C0027672, MeSH D009386, MONDO:0015356.

Submissions (5):

Labcorp Genetics (formerly Invitae), Labcorp
Classification: Uncertain significance for Von Hippel-Lindau syndrome; Chuvash polycythemia. Last evaluated: 2025-07-07. Review status: criteria provided, single submitter. Criteria: Invitae Variant Classification Sherloc (09022015). Collection method: clinical testing. Allele origin: germline.
Comment: This variant, c.112_156dup, results in the insertion of 15 amino acid(s) of the VHL protein (p.Ser38_Glu52dup), but otherwise preserves the integrity of the reading frame. This variant is not present in population databases (gnomAD no frequency). This variant has not been reported in the literature in individuals affected with VHL-related conditions. ClinVar contains an entry for this variant (Variation ID: 657192). Experimental studies and prediction algorithms are not available or were not evaluated, and the functional significance of this variant is currently unknown. In summary, the available evidence is currently insufficient to determine the role of this variant in disease. Therefore, it has been classified as a Variant of Uncertain Significance.

GeneDx
Classification: Uncertain significance. Last evaluated: 2025-07-03. Review status: criteria provided, single submitter. Criteria: GeneDx Variant Classification Process June 2021. Collection method: clinical testing. Allele origin: germline. Affected: yes.
Comment: In-frame duplication of 15 amino acid(s) in a non-repeat region; Not observed at significant frequency in large population cohorts (gnomAD); Has not been previously published as pathogenic or benign to our knowledge

Fulgent Genetics
Classification: Uncertain significance for Nonpapillary renal cell carcinoma; Pheochromocytoma; Von Hippel-Lindau syndrome; Chuvash polycythemia. Last evaluated: 2024-01-24. Review status: criteria provided, single submitter. Criteria: ACMG Guidelines, 2015. Collection method: clinical testing. Allele origin: germline.

Ambry Genetics
Classification: Uncertain significance for Hereditary cancer-predisposing syndrome. Last evaluated: 2024-01-22. Review status: criteria provided, single submitter. Criteria: Ambry Variant Classification Scheme 2023. Collection method: clinical testing. Allele origin: germline.
Comment: The c.112_156dup45 variant (also known as p.S38_E52dup), located in coding exon 1 of the VHL gene, results from an in-frame duplication of 45 nucleotides at nucleotide positions 112 to 156. This results in the duplication of 15 extra residues (SGPEESGPEELGAEE) between codons 38 and 52. This amino acid region is not well conserved in available vertebrate species. Since supporting evidence is limited at this time, the clinical significance of this alteration remains unclear.

Baylor Genetics
Classification: Uncertain significance for Chuvash polycythemia. Last evaluated: 2023-06-04. Review status: criteria provided, single submitter. Criteria: ACMG Guidelines, 2015. Collection method: clinical testing. Allele origin: unknown.

NM_000551.4(VHL):c.112_156dup (p.Ser38_Glu52dup)

Gene: VHL (von Hippel-Lindau tumor suppressor; plus strand). Cytogenetic location: 3p25.3.
Variant type: Duplication.
Coding change: c.112_156dup on transcript NM_000551.4 (MANE Select); coding-DNA positions 112 to 156, 45 bases duplicated.
Protein change: p.Ser38_Glu52dup.
Molecular consequence: inframe insertion.
Genome position (GRCh38, 1-based): chr3:10,141,959-10,142,003, 45 bases duplicated; duplicating any 45 consecutive bases within chr3:10,141,946-10,142,003 gives the same sequence; the c. name uses the placement nearest the transcript's 3' end. GRCh37 (hg19): chr3:10,183,643-10,183,687.
Other names: c.112_156dup, p.Ser38_Glu52dup (NM_001354723.2, NM_198156.3); c.112_156dupTCCGGCCCGGAAGAGTCCGGCCCGGAGGAACTGGGCGCCGAGGAG (NM_000551.3).
Identifiers: ClinVar variation 657192 (VCV000657192.14), dbSNP rs1575921303, ClinGen allele CA915941834.